The following is an entry in ClinVar:

ClinVar aggregate classification (germline): Uncertain significance (1 of 4 stars; one submission).

Conditions:
Charcot-Marie-Tooth disease type 2. Also called: Charcot-Marie-Tooth type 2. Identifiers: Orphanet 64746, MedGen C0270914, MONDO:0018993.

Submission:

Labcorp Genetics (formerly Invitae), Labcorp
Classification: Uncertain significance for Charcot-Marie-Tooth disease type 2. Last evaluated: 2025-05-05. Review status: criteria provided, single submitter. Criteria: Invitae Variant Classification Sherloc (09022015). Collection method: clinical testing. Allele origin: germline.
Comment: This sequence change replaces alanine, which is neutral and non-polar, with glycine, which is neutral and non-polar, at codon 201 of the AARS protein (p.Ala201Gly). This variant is not present in population databases (gnomAD no frequency). This variant has not been reported in the literature in individuals affected with AARS-related conditions. ClinVar contains an entry for this variant (Variation ID: 1682299). Invitae Evidence Modeling of protein sequence and biophysical properties (such as structural, functional, and spatial information, amino acid conservation, physicochemical variation, residue mobility, and thermodynamic stability) indicates that this missense variant is not expected to disrupt AARS protein function with a negative predictive value of 95%. In summary, the available evidence is currently insufficient to determine the role of this variant in disease. Therefore, it has been classified as a Variant of Uncertain Significance.

NM_001605.3(AARS1):c.602C>G (p.Ala201Gly)

Gene: AARS1 (alanyl-tRNA synthetase 1; minus strand). Cytogenetic location: 16q22.1.
Variant type: single nucleotide variant.
Coding change: c.602C>G on transcript NM_001605.3 (MANE Select); coding-DNA position 602, C replaced by G.
Protein change: p.Ala201Gly; replaces alanine 201 with glycine.
Molecular consequence: missense variant.
Genome position (GRCh38, 1-based): chr16:70,271,850, G>C on the plus strand (C>G on the coding strand, the complement: AARS1 is on the minus strand). VCF-style: chr16-70271850-G-C. GRCh37 (hg19) VCF-style: chr16-70305753-G-C.
Other names: short protein forms A201G.
Identifiers: ClinVar variation 1682299 (VCV001682299.6), dbSNP rs1028669019, ClinGen allele CA396566650.